The following is an entry in ClinVar:

NM_004104.5(FASN):c.4834C>G (p.Arg1612Gly)

Gene: FASN (fatty acid synthase; minus strand). Cytogenetic location: 17q25.3.
Variant type: single nucleotide variant.
Coding change: c.4834C>G on transcript NM_004104.5 (MANE Select); coding-DNA position 4834, C replaced by G.
Protein change: p.Arg1612Gly; replaces arginine 1612 with glycine.
Molecular consequence: missense variant.
Genome position (GRCh38, 1-based): chr17:82,084,319, G>C on the plus strand (C>G on the coding strand, the complement: FASN is on the minus strand). VCF-style: chr17-82084319-G-C. GRCh37 (hg19) VCF-style: chr17-80042195-G-C.
Other names: short protein forms R1612G.
Identifiers: ClinVar variation 2969615 (VCV002969615.3), dbSNP rs768725656, ClinGen allele CA401543592.
Genomic context (GRCh38, chr17:82,084,319, plus strand): 5'-AGTCCGGTGACAGCAGGACAGAGGTGGCCAGGCCCTTGGCAGGCACCAGTCCCATCACAC[G>C]CTTGCCGCTGGCGTCTCGGCCCGAGAACTCCATACCTAGCAGGCTGTCCTGGGAGGTCCA-3'
Protein context (NP_004095.4, residues 1602-1622): EFSGRDASGK[Arg1612Gly]VMGLVPAKGL

ClinVar aggregate classification (germline): Uncertain significance (1 of 4 stars; one submission).

Conditions:
Epileptic encephalopathy. Identifiers: MedGen C0543888, HP:0200134.

Submission:

Labcorp Genetics (formerly Invitae), Labcorp
Classification: Uncertain significance for Epileptic encephalopathy. Last evaluated: 2025-04-21. Review status: criteria provided, single submitter. Criteria: Invitae Variant Classification Sherloc (09022015). Collection method: clinical testing. Allele origin: germline.
Comment: This sequence change replaces arginine, which is basic and polar, with glycine, which is neutral and non-polar, at codon 1612 of the FASN protein (p.Arg1612Gly). This variant is not present in population databases (gnomAD no frequency). This variant has not been reported in the literature in individuals affected with FASN-related conditions. ClinVar contains an entry for this variant (Variation ID: 2969615). An algorithm developed to predict the effect of missense changes on protein structure and function (PolyPhen-2) suggests that this variant is likely to be disruptive. In summary, the available evidence is currently insufficient to determine the role of this variant in disease. Therefore, it has been classified as a Variant of Uncertain Significance.